The following is an entry in ClinVar:

NM_003482.4(KMT2D):c.13669C>A (p.Gln4557Lys)

Gene: KMT2D (lysine methyltransferase 2D; minus strand). Cytogenetic location: 12q13.12.
Variant type: single nucleotide variant.
Coding change: c.13669C>A on transcript NM_003482.4 (MANE Select); coding-DNA position 13669, C replaced by A.
Protein change: p.Gln4557Lys; replaces glutamine 4557 with lysine.
Molecular consequence: missense variant.
Genome position (GRCh38, 1-based): chr12:49,030,895, G>T on the plus strand (C>A on the coding strand, the complement: KMT2D is on the minus strand). VCF-style: chr12-49030895-G-T. GRCh37 (hg19) VCF-style: chr12-49424678-G-T.
Other names: short protein forms Q4557K.
Identifiers: ClinVar variation 2041044 (VCV002041044.4), dbSNP rs1473530054, ClinGen allele CA384703026.
Genomic context (GRCh38, chr12:49,030,895, plus strand): 5'-GGACAGGGTGCCCCCTATCCTGGGATGGGACCAGGGGGACTGTCTCCTGGGGGGTCACCT[G>T]TTTCAGCTGTTTCAGCAAGGCCTCGCTGGCCCTGACCCCGTCCTCCTTCCGCAGCTTCTT-3'
Protein context (NP_003473.3, residues 4547-4567): ASEALLKQLK[Gln4557Lys]ELSLLPLTEP

ClinVar aggregate classification (germline): Uncertain significance (1 of 4 stars; one submission).

Conditions:
Kabuki syndrome. Also called: Kabuki make-up syndrome; NIIKAWA-KUROKI SYNDROME. Identifiers: Orphanet 2322, MedGen C0796004, MONDO:0016512.

Allele frequency attached by ClinVar (database versions not stated): gnomAD exomes below 0.00001.
gnomAD v4.1: 4 of 1,613,650 alleles (0.00025%); highest among the groups gnomAD compares: South Asian, 0.0033%; no homozygotes.

Submission:

Labcorp Genetics (formerly Invitae), Labcorp
Classification: Uncertain significance for Kabuki syndrome. Last evaluated: 2025-12-30. Review status: criteria provided, single submitter. Criteria: Invitae Variant Classification Sherloc (09022015). Collection method: clinical testing. Allele origin: germline.
Comment: This sequence change replaces glutamine, which is neutral and polar, with lysine, which is basic and polar, at codon 4557 of the KMT2D protein (p.Gln4557Lys). This variant is present in population databases (no rsID available, gnomAD 0.003%). This variant has not been reported in the literature in individuals affected with KMT2D-related conditions. ClinVar contains an entry for this variant (Variation ID: 2041044). Experimental studies and prediction algorithms are not available or were not evaluated, and the functional significance of this variant is currently unknown. In summary, the available evidence is currently insufficient to determine the role of this variant in disease. Therefore, it has been classified as a Variant of Uncertain Significance.